The following is an entry in ClinVar:

NM_014714.4(IFT140):c.1525-2A>T

Gene: IFT140 (intraflagellar transport 140; minus strand). Cytogenetic location: 16p13.3.
Variant type: single nucleotide variant.
Coding change: c.1525-2A>T on transcript NM_014714.4 (MANE Select); the canonical splice acceptor site of the intron before coding-DNA position 1525, A replaced by T.
Molecular consequence: splice acceptor variant.
Genome position (GRCh38, 1-based): chr16:1,571,536, T>A on the plus strand (A>T on the coding strand, the complement: IFT140 is on the minus strand). VCF-style: chr16-1571536-T-A. GRCh37 (hg19) VCF-style: chr16-1621537-T-A.
Identifiers: ClinVar variation 1459528 (VCV001459528.6), dbSNP rs2141634877, ClinGen allele CA394209563.

ClinVar aggregate classification (germline): Pathogenic (1 of 4 stars; one submission).

Conditions:
Saldino-Mainzer syndrome (SRTD9). Also called: Renal dysplasia, retinal pigmentary dystrophy, cerebellar ataxia and skeletal dysplasia; CONORENAL SYNDROME; SHORT-RIB THORACIC DYSPLASIA 9 WITHOUT POLYDACTYLY; short-rib thoracic dysplasia 9 with or without polydactyly. Identifiers: Orphanet 140969, MedGen C1849437, MONDO:0009964, OMIM 266920.

Submission:

Labcorp Genetics (formerly Invitae), Labcorp
Classification: Pathogenic for Saldino-Mainzer syndrome. Last evaluated: 2025-04-16. Review status: criteria provided, single submitter. Criteria: Invitae Variant Classification Sherloc (09022015). Collection method: clinical testing. Allele origin: germline.
Comment: This sequence change affects an acceptor splice site in intron 13 of the IFT140 gene. It is expected to disrupt RNA splicing. Variants that disrupt the donor or acceptor splice site typically lead to a loss of protein function (PMID: 16199547), and loss-of-function variants in IFT140 are known to be pathogenic (PMID: 22503633, 23418020, 24009529, 26216056). This variant is not present in population databases (gnomAD no frequency). Disruption of this splice site has been observed in individual(s) with IFT140-related conditions (PMID: 32860008). In at least one individual the data is consistent with being in trans (on the opposite chromosome) from a pathogenic variant. ClinVar contains an entry for this variant (Variation ID: 1459528). Algorithms developed to predict the effect of sequence changes on RNA splicing suggest that this variant may disrupt the consensus splice site. For these reasons, this variant has been classified as Pathogenic.

Literature cited by the submitters: PubMed 16199547; PubMed 22503633; PubMed 23418020; PubMed 24009529; PubMed 26216056; PubMed 32860008.